The following is an entry in ClinVar:

NM_015100.4(POGZ):c.2570+3A>C

Gene: POGZ (pogo transposable element derived with ZNF domain; minus strand). Cytogenetic location: 1q21.3.
Variant type: single nucleotide variant.
Coding change: c.2570+3A>C on transcript NM_015100.4 (MANE Select); 3 bases into the intron after coding-DNA position 2570, A replaced by C.
Molecular consequence: intron variant.
Genome position (GRCh38, 1-based): chr1:151,406,604, T>G on the plus strand (A>C on the coding strand, the complement: POGZ is on the minus strand). VCF-style: chr1-151406604-T-G. GRCh37 (hg19) VCF-style: chr1-151379080-T-G.
Other names: c.2384+3A>C (NM_001194938.2); c.2285+3A>C (NM_145796.4); c.2543+3A>C (NM_001194937.2); c.2411+3A>C (NM_207171.2).
Identifiers: ClinVar variation 1207693 (VCV001207693.3), dbSNP rs2102152703, ClinGen allele CA2499214174.

ClinVar aggregate classification (germline): Likely pathogenic (1 of 4 stars; one submission).

Submission:

GeneDx
Classification: Likely pathogenic. Last evaluated: 2019-10-31. Review status: criteria provided, single submitter. Criteria: GeneDx Variant Classification Process June 2021. Collection method: clinical testing. Allele origin: germline. Affected: yes.
Comment: Not observed in large population cohorts (Lek et al., 2016); In silico analysis, which includes splice predictors and evolutionary conservation, supports a deleterious effect; Has not been previously published as pathogenic or benign to our knowledge